The following is an entry in ClinVar:

NM_004706.4(ARHGEF1):c.1738+6G>A

Gene: ARHGEF1 (Rho guanine nucleotide exchange factor 1; plus strand). Cytogenetic location: 19q13.2.
Variant type: single nucleotide variant.
Coding change: c.1738+6G>A on transcript NM_004706.4 (MANE Select); 6 bases into the intron after coding-DNA position 1738, G replaced by A.
Molecular consequence: intron variant.
Genome position (GRCh38, 1-based): chr19:41,902,904, G>A. VCF-style: chr19-41902904-G-A. GRCh37 (hg19) VCF-style: chr19-42407054-G-A.
Other names: c.1639+6G>A (NM_198977.2); c.1783+6G>A (NM_199002.2).
Identifiers: ClinVar variation 1387262 (VCV001387262.6), dbSNP rs544892185, ClinGen allele CA9466448.
Genomic context (GRCh38, chr19:41,902,904, plus strand): 5'-ATGCAGCGGCTGACCAAGTACCCCCTGCTCCTGCAGAGCATCGGGCAGAACACAGGTACC[G>A]CGGGCCTGGATCTCTGGGCCTCGGCTCTCCTCTTTTTTTTTTACATTTTTTTTCTCACTC-3'

ClinVar aggregate classification (germline): Uncertain significance (1 of 4 stars; one submission).

Allele frequency attached by ClinVar (database versions not stated): gnomAD exomes 0.00002 and 0.00005; TOPMed 0.00002; gnomAD 0.00004 and 0.00005; ExAC 0.00006; 1000 Genomes Project 0.00040; 1000 Genomes Project 30x 0.00047.

Submission:

Labcorp Genetics (formerly Invitae), Labcorp
Classification: Uncertain significance. Last evaluated: 2025-11-06. Review status: criteria provided, single submitter. Criteria: Invitae Variant Classification Sherloc (09022015). Collection method: clinical testing. Allele origin: germline.
Comment: This sequence change falls in intron 18 of the ARHGEF1 gene. It does not directly change the encoded amino acid sequence of the ARHGEF1 protein. It affects a nucleotide within the consensus splice site. This variant is present in population databases (rs544892185, gnomAD 0.05%). This variant has not been reported in the literature in individuals affected with ARHGEF1-related conditions. ClinVar contains an entry for this variant (Variation ID: 1387262). Variants that disrupt the consensus splice site are a relatively common cause of aberrant splicing (PMID: 17576681, 9536098). Algorithms developed to predict the effect of sequence changes on RNA splicing suggest that this variant is not likely to affect RNA splicing. In summary, the available evidence is currently insufficient to determine the role of this variant in disease. Therefore, it has been classified as a Variant of Uncertain Significance.

Literature cited by the submitters: PubMed 17576681; PubMed 9536098.